The following is an entry in ClinVar:

NM_182961.4(SYNE1):c.23460+9T>C

Gene: SYNE1 (spectrin repeat containing nuclear envelope protein 1; minus strand). Cytogenetic location: 6q25.2.
Variant type: single nucleotide variant.
Coding change: c.23460+9T>C on transcript NM_182961.4 (MANE Select); 9 bases into the intron after coding-DNA position 23460, T replaced by C.
Molecular consequence: intron variant.
Genome position (GRCh38, 1-based): chr6:152,180,127, A>G on the plus strand (T>C on the coding strand, the complement: SYNE1 is on the minus strand). VCF-style: chr6-152180127-A-G. GRCh37 (hg19) VCF-style: chr6-152501262-A-G.
Other names: c.23247+9T>C (NM_033071.5); c.66+9T>C (NM_001347701.2).
Identifiers: ClinVar variation 2684048 (VCV002684048.1), dbSNP rs2550878704, ClinGen allele CA2697553787.

ClinVar aggregate classification (germline): Uncertain significance (1 of 4 stars; one submission).

Submission:

Athena Diagnostics
Classification: Uncertain significance. Last evaluated: 2023-04-13. Review status: criteria provided, single submitter. Criteria: Athena Diagnostics Criteria. Collection method: clinical testing. Allele origin: unknown.
Comment: Available data are insufficient to determine the clinical significance of the variant at this time. This variant has not been reported in large, multi-ethnic general populations. Computational tools yielded predictions that this variant is unlikely to have an effect on normal RNA splicing.